The following is an entry in ClinVar:

NC_000022.11:g.(?_29603999)_(29694802_?)dup

Gene: NF2 (NF2, moesin-ezrin-radixin like (MERLIN) tumor suppressor; plus strand). Cytogenetic location: 22q12.2.
Variant type: Duplication.
Identifiers: ClinVar variation 831848 (VCV000831848.9).

ClinVar aggregate classification (germline): Uncertain significance (1 of 4 stars; one submission).

Conditions:
Neurofibromatosis, type 2 (SWNV). Also called: BILATERAL ACOUSTIC NEUROFIBROMATOSIS; SCHWANNOMATOSIS, VESTIBULAR; NF2-Related Schwannomatosis. Identifiers: Orphanet 637, MedGen C0027832, MONDO:0007039, OMIM 101000. Disease mechanism: loss of function.

Submission:

Labcorp Genetics (formerly Invitae), Labcorp
Classification: Uncertain significance for Neurofibromatosis, type 2. Last evaluated: 2022-07-28. Review status: criteria provided, single submitter. Criteria: Invitae Variant Classification Sherloc (09022015). Collection method: clinical testing. Allele origin: germline.
Comment: A copy number gain of the genomic region encompassing the full coding sequence of the NF2 gene has been identified. The boundaries of this event are unknown as they extend beyond the assayed region for this gene and therefore may encompass additional genes. As the precise location of this event is unknown, it may be in tandem or it may be located elsewhere in the genome. This variant has not been reported in the literature in individuals affected with NF2-related conditions. In summary, the available evidence is currently insufficient to determine the role of this variant in disease. Therefore, it has been classified as a Variant of Uncertain Significance.